The following is an entry in ClinVar:

NM_001044385.3(TMEM237):c.-12G>A

Genes: TMEM237 (transmembrane protein 237; minus strand), LOC129935417 (ATAC-STARR-seq lymphoblastoid silent region 12235; plus strand). Cytogenetic location: 2q33.1.
Variant type: single nucleotide variant.
Coding change: c.-12G>A on transcript NM_001044385.3 (MANE Select); 12 bases upstream of the start codon, G replaced by A.
Molecular consequence: 5 prime UTR variant.
Genome position (GRCh38, 1-based): chr2:201,643,412, C>T on the plus strand (G>A on the coding strand, the complement: TMEM237 is on the minus strand). VCF-style: chr2-201643412-C-T. GRCh37 (hg19) VCF-style: chr2-202508135-C-T.
Identifiers: ClinVar variation 257311 (VCV000257311.8), dbSNP rs113186360, ClinGen allele CA2056707.

ClinVar aggregate classification (germline): Benign/Likely benign. Review status: criteria provided, multiple submitters, no conflicts (2 of 4 stars). 5 submissions from 5 submitters: Benign (4); Likely benign (1). Last evaluated 2024-11-26.

Conditions:
Joubert syndrome 14 (JBTS14). Identifiers: MedGen C3280766, MONDO:0013745, OMIM 614424.

Allele frequency attached by ClinVar (database versions not stated): ESP Exome Variant Server 0.00471; gnomAD 0.01229 and 0.01343; TOPMed 0.01312; gnomAD exomes 0.01400 and 0.01632; ExAC 0.02278; 1000 Genomes Project 30x 0.02389; 1000 Genomes Project 0.02436.
gnomAD v4.1: 21,139 of 1,511,066 alleles (1.4%); highest among the groups gnomAD compares: East Asian, 4.5%; 202 homozygotes.

Submissions (5):

Blueprint Genetics
Classification: Likely benign. Last evaluated: 2024-11-26. Review status: criteria provided, single submitter. Criteria: ACMG Guidelines, 2015. Collection method: clinical testing. Allele origin: germline.

Illumina Laboratory Services, Illumina
Classification: Benign for Joubert syndrome 14. Last evaluated: 2018-01-12. Review status: criteria provided, single submitter. Criteria: ICSL Variant Classification Criteria 13 December 2019. Collection method: clinical testing. Allele origin: germline.
Comment: This variant was observed in the ICSL laboratory as part of a predisposition screen in an ostensibly healthy population. It had not been previously curated by ICSL or reported in the Human Gene Mutation Database (HGMD: prior to June 1st, 2018), and was therefore a candidate for classification through an automated scoring system. Utilizing variant allele frequency, disease prevalence and penetrance estimates, and inheritance mode, an automated score was calculated to assess if this variant is too frequent to cause the disease. Based on the score and internal cut-off values, a variant classified as benign is not then subjected to further curation. The score for this variant resulted in a classification of benign for this disease.

GeneDx
Classification: Benign. Last evaluated: 2016-04-29. Review status: criteria provided, single submitter. Criteria: GeneDx Variant Classification (06012015). Collection method: clinical testing. Allele origin: germline. Affected: yes.
Comment: This variant is considered likely benign or benign based on one or more of the following criteria: it is a conservative change, it occurs at a poorly conserved position in the protein, it is predicted to be benign by multiple in silico algorithms, and/or has population frequency not consistent with disease.

Breakthrough Genomics
Classification: Benign. Review status: criteria provided, single submitter. Criteria: ACMG Guidelines, 2015. Collection method: not provided. Allele origin: germline. Inheritance: Autosomal recessive inheritance. Affected: yes.

PreventionGenetics, part of Exact Sciences
Classification: Benign. Review status: criteria provided, single submitter. Criteria: ACMG Guidelines, 2015. Collection method: clinical testing. Allele origin: germline.